The following is an entry in ClinVar:

NM_001844.5(COL2A1):c.803C>T (p.Pro268Leu)

Gene: COL2A1 (collagen type II alpha 1 chain; minus strand). Cytogenetic location: 12q13.11.
Variant type: single nucleotide variant.
Coding change: c.803C>T on transcript NM_001844.5 (MANE Select); coding-DNA position 803, C replaced by T.
Protein change: p.Pro268Leu; replaces proline 268 with leucine.
Molecular consequence: missense variant.
Genome position (GRCh38, 1-based): chr12:47,994,437, G>A on the plus strand (C>T on the coding strand, the complement: COL2A1 is on the minus strand). VCF-style: chr12-47994437-G-A. GRCh37 (hg19) VCF-style: chr12-48388220-G-A.
Other names: c.596C>T, p.Pro199Leu (NM_033150.3); short protein forms P268L, P199L.
Identifiers: ClinVar variation 308931 (VCV000308931.24), dbSNP rs142770543, ClinGen allele CA6535779.

ClinVar aggregate classification (germline): Conflicting classifications of pathogenicity. Review status: criteria provided, conflicting classifications (1 of 4 stars). 8 submissions from 7 submitters: Uncertain significance (3); Benign (1); Likely benign (3). 1 of the submissions does not count toward it. Last evaluated 2026-01-26.

Conditions:
Stickler syndrome type 1 (STL1). Also called: COL2A1-Related Stickler Syndrome; ARTHROOPHTHALMOPATHY, HEREDITARY PROGRESSIVE; STICKLER SYNDROME, MEMBRANOUS VITREOUS TYPE; STICKLER SYNDROME, VITREOUS TYPE 1. Identifiers: Orphanet 828, Orphanet 90653, MedGen C2020284, MONDO:0007160, OMIM 108300.
Avascular necrosis of femoral head, primary, 1 (ANFH1). Also called: Avascular necrosis of femoral head, primary. Identifiers: Orphanet 86820, MedGen C4551562, MONDO:0054550, OMIM 608805.
Namaqualand hip dysplasia (OSCDP). Also called: Mild spondyloepiphyseal dysplasia due to COL2A1 mutation with early-onset osteoarthritis. Identifiers: Orphanet 93279, MedGen C0432214, MONDO:0011496, OMIM 604864.
Achondrogenesis type II (ACG2). Also called: ACHONDROGENESIS, LANGER-SALDINO TYPE; CHONDROGENESIS IMPERFECTA. Identifiers: Orphanet 932, Orphanet 93296, MedGen C0220685, MONDO:0008702, OMIM 200610.
Legg-Calve-Perthes disease. Also called: PERTHES DISEASE; Osteochondritis deformans; Coxa plana; Avascular necrosis of the capital femoral epiphysis. Identifiers: Orphanet 2380, MedGen C1442965, MONDO:0007885, OMIM 150600, HP:0005743.
Kniest dysplasia. Identifiers: Orphanet 485, MedGen C0265279, MONDO:0007987, OMIM 156550.
Spondylometaphyseal dysplasia. Identifiers: Orphanet 254, MedGen C4759767, MONDO:0016763, HP:0002657.
Spondyloepiphyseal dysplasia congenita (SEDC). Also called: SED CONGENITA; SPONDYLOEPIPHYSEAL DYSPLASIA, CONGENITAL TYPE. Identifiers: Orphanet 94068, MedGen C2745959, MONDO:0008471, OMIM 183900.
Spondyloepiphyseal dysplasia with metatarsal shortening. Also called: CZECH DYSPLASIA, METATARSAL TYPE; SPONDYLOEPIPHYSEAL DYSPLASIA WITH PRECOCIOUS OSTEOARTHRITIS; Pseudorheumatoid dysplasia progressive, with hypoplastic toes. Identifiers: Orphanet 137678, MedGen C1836683, MONDO:0012206, OMIM 609162.
Multiple epiphyseal dysplasia, Beighton type. Identifiers: Orphanet 166011, MedGen C1851536, MONDO:0007562, OMIM 132450.
Stickler syndrome, type I, nonsyndromic ocular. Also called: STICKLER SYNDROME, TYPE I, PREDOMINANTLY OCULAR; STICKLER SYNDROME, ATYPICAL. Identifiers: MedGen C1836080, MONDO:0012287, OMIM 609508.
Spondyloperipheral dysplasia. Also called: Spondyloperipheral dysplasia-short ulna syndrome; SPONDYLOPERIPHERAL DYSPLASIA WITH SHORT ULNA. Identifiers: Orphanet 1856, MedGen C0796173, MONDO:0010078, OMIM 271700.
Platyspondylic dysplasia, Torrance type (PLSDT). Identifiers: Orphanet 85166, MedGen C1835437, MONDO:0007895, OMIM 151210.
Spondyloepiphyseal dysplasia, Stanescu type. Also called: SED, STANESCU TYPE; SPONDYLOEPIMETAPHYSEAL DYSPLASIA, STANESCU TYPE. Identifiers: Orphanet 459051, MedGen C4225273, MONDO:0014701, OMIM 616583.
COL2A1-related disorder. Also called: COL2A1-related condition; COL2A1-related disorders.
Type 2 collagenopathy. Identifiers: Orphanet 93421, MedGen C2931073, MONDO:0022800.

Allele frequency attached by ClinVar (database versions not stated): gnomAD 0.00019 and 0.00021; TOPMed 0.00019; ESP Exome Variant Server 0.00023; gnomAD exomes 0.00027 and 0.00012; 1000 Genomes Project 30x 0.00047; 1000 Genomes Project 0.00060; ExAC 0.00009.

Submissions (8):

Labcorp Genetics (formerly Invitae), Labcorp
Classification: Likely benign. Last evaluated: 2026-01-26. Review status: criteria provided, single submitter. Criteria: Invitae Variant Classification Sherloc (09022015). Collection method: clinical testing. Allele origin: germline.

Revvity Omics, Revvity
Classification: Uncertain significance. Last evaluated: 2024-09-23. Review status: criteria provided, single submitter. Criteria: ACMG Guidelines, 2015. Collection method: clinical testing. Allele origin: germline.

Blueprint Genetics
Classification: Likely benign. Last evaluated: 2023-06-27. Review status: criteria provided, single submitter. Criteria: ACMG Guidelines, 2015. Collection method: clinical testing. Allele origin: germline.

GeneDx
Classification: Likely benign. Last evaluated: 2021-04-07. Review status: criteria provided, single submitter. Criteria: GeneDx Variant Classification Process June 2021. Collection method: clinical testing. Allele origin: germline. Affected: yes.

Fulgent Genetics
Classification: Uncertain significance for Stickler syndrome type 1; Multiple epiphyseal dysplasia, Beighton type; Legg-Calve-Perthes disease; Platyspondylic dysplasia, Torrance type; Kniest dysplasia; Spondyloepiphyseal dysplasia congenita; Spondyloepimetaphyseal dysplasia, Strudwick type; Achondrogenesis type II; Spondyloperipheral dysplasia; Namaqualand hip dysplasia; Avascular necrosis of femoral head, primary, 1; Spondyloepiphyseal dysplasia with metatarsal shortening; Stickler syndrome, type I, nonsyndromic ocular; Spondyloepiphyseal dysplasia, Stanescu type. Last evaluated: 2018-10-31. Review status: criteria provided, single submitter. Criteria: ACMG Guidelines, 2015. Collection method: clinical testing. Allele origin: unknown.

Illumina Laboratory Services, Illumina
Classification: Benign for Type II Collagenopathies. Last evaluated: 2018-01-13. Review status: criteria provided, single submitter. Criteria: ICSL Variant Classification Criteria 13 December 2019. Collection method: clinical testing. Allele origin: germline.
Comment: This variant was observed in the ICSL laboratory as part of a predisposition screen in an ostensibly healthy population. It had not been previously curated by ICSL or reported in the Human Gene Mutation Database (HGMD: prior to June 1st, 2018), and was therefore a candidate for classification through an automated scoring system. Utilizing variant allele frequency, disease prevalence and penetrance estimates, and inheritance mode, an automated score was calculated to assess if this variant is too frequent to cause the disease. Based on the score and internal cut-off values, a variant classified as benign is not then subjected to further curation. The score for this variant resulted in a classification of benign for this disease.

Illumina Laboratory Services, Illumina
Classification: Uncertain significance for Stickler syndrome type 1. Last evaluated: 2018-01-13. Review status: criteria provided, single submitter. Criteria: ICSL Variant Classification Criteria 13 December 2019. Collection method: clinical testing. Allele origin: germline.

PreventionGenetics, part of Exact Sciences
Classification: Likely benign for COL2A1-related condition. Last evaluated: 2022-03-23. Review status: no assertion criteria provided. Collection method: clinical testing. Allele origin: germline. Not counted in ClinVar's aggregate classification.
Comment: This variant is classified as likely benign based on ACMG/AMP sequence variant interpretation guidelines (Richards et al. 2015 PMID: 25741868, with internal and published modifications).